The following is an entry in ClinVar:

ClinVar aggregate classification (germline): Uncertain significance (1 of 4 stars; one submission).

Submission:

GeneDx
Classification: Uncertain significance. Last evaluated: 2026-09-12. Review status: criteria provided, single submitter. Criteria: GeneDx Variant Classification Process June 2021. Collection method: clinical testing. Allele origin: germline.
Comment: Not observed at significant frequency in large population cohorts (gnomAD); In silico analysis supports that this missense variant has a deleterious effect on protein structure/function; Missense variants in this gene are a common cause of disease and they are underrepresented in the general population; Has not been previously published as pathogenic or benign to our knowledge; This variant is associated with the following publications: (PMID: 29493581)

NM_004333.6(BRAF):c.1529A>G (p.His510Arg)

Gene: BRAF (B-Raf proto-oncogene, serine/threonine kinase; minus strand). Cytogenetic location: 7q34.
Variant type: single nucleotide variant.
Coding change: c.1529A>G on transcript NM_004333.6 (MANE Select); coding-DNA position 1529, A replaced by G.
Protein change: p.His510Arg; replaces histidine 510 with arginine.
Molecular consequence: missense variant.
Genome position (GRCh38, 1-based): chr7:140,777,077, T>C on the plus strand (A>G on the coding strand, the complement: BRAF is on the minus strand). VCF-style: chr7-140777077-T-C. GRCh37 (hg19) VCF-style: chr7-140476877-T-C.
Other names: c.1529A>G, p.His510Arg (NM_001354609.2, NM_001378468.1, NM_001378474.1); c.1649A>G, p.His550Arg (NM_001374244.1, NM_001374258.1); c.1538A>G, p.His513Arg (NM_001378467.1); c.1463A>G, p.His488Arg (NM_001378469.1); c.1427A>G, p.His476Arg (NM_001378470.1); c.1418A>G, p.His473Arg (NM_001378471.1); c.1373A>G, p.His458Arg (NM_001378472.1, NM_001378473.1); c.1265A>G, p.His422Arg (NM_001378475.1); short protein forms H422R, H458R, H473R, H476R, H488R, H510R, H513R, H550R.
Identifiers: ClinVar variation 4538600 (VCV004538600.2).